The following is an entry in ClinVar:

NM_003072.5(SMARCA4):c.794C>T (p.Pro265Leu)

Gene: SMARCA4 (SWI/SNF related BAF chromatin remodeling complex subunit ATPase 4; plus strand). Cytogenetic location: 19p13.2.
Variant type: single nucleotide variant.
Coding change: c.794C>T on transcript NM_003072.5 (MANE Select); coding-DNA position 794, C replaced by T.
Protein change: p.Pro265Leu; replaces proline 265 with leucine.
Molecular consequence: missense variant. On other transcripts: non-coding transcript variant (1).
Genome position (GRCh38, 1-based): chr19:10,986,938, C>T. VCF-style: chr19-10986938-C-T. GRCh37 (hg19) VCF-style: chr19-11097614-C-T.
Other names: c.794C>T (NM_001128849.1); c.794C>T, p.Pro265Leu (NM_001128844.3, NM_001128845.2, NM_001128846.2 and 6 more transcripts); short protein forms P265L.
Identifiers: ClinVar variation 2157870 (VCV002157870.5), dbSNP rs2145796111, ClinGen allele CA404057947.

ClinVar aggregate classification (germline): Uncertain significance. Review status: criteria provided, multiple submitters, no conflicts (2 of 4 stars). 2 submissions from 2 submitters: Uncertain significance (2). Last evaluated 2023-11-16.

Conditions:
Hereditary cancer-predisposing syndrome. Also called: Tumor predisposition; Hereditary neoplastic syndrome; Neoplastic Syndromes, Hereditary; Hereditary Cancer Syndrome. Identifiers: Orphanet 140162, MedGen C0027672, MeSH D009386, MONDO:0015356.
Rhabdoid tumor predisposition syndrome 2 (RTPS2). Identifiers: Orphanet 231108, Orphanet 69077, MedGen C2750074, MONDO:0013224, OMIM 613325.

Allele frequency attached by ClinVar (database versions not stated): gnomAD exomes below 0.00001.
gnomAD v4.1: 1 of 1,612,262 alleles (0.000062%); highest among the groups gnomAD compares: Non-Finnish European, 0.000085%; no homozygotes.

Submissions (2):

Ambry Genetics
Classification: Uncertain significance for Hereditary cancer-predisposing syndrome. Last evaluated: 2023-11-16. Review status: criteria provided, single submitter. Criteria: Ambry Variant Classification Scheme 2023. Collection method: clinical testing. Allele origin: germline.
Comment: The p.P265L variant (also known as c.794C>T), located in coding exon 4 of the SMARCA4 gene, results from a C to T substitution at nucleotide position 794. The proline at codon 265 is replaced by leucine, an amino acid with similar properties. This amino acid position is highly conserved in available vertebrate species. In addition, the in silico prediction for this alteration is inconclusive. Missense and in-frame variants in SMARCA4 are known to cause neurodevelopmental disorders; however, such associations with rhabdoid tumor predisposition syndrome including small cell carcinoma of the ovary-hypercalcemic type (SCCOHT) are exceedingly rare (Kosho T et al. Am J Med Genet C Semin Med Genet. 2014 Sep;166C(3):262-75; Jelinic P et al. Nat Genet. 2014 May;46(5):424-6). Since supporting evidence is limited at this time, the clinical significance of this alteration remains unclear.

Labcorp Genetics (formerly Invitae), Labcorp
Classification: Uncertain significance for Rhabdoid tumor predisposition syndrome 2. Last evaluated: 2023-04-21. Review status: criteria provided, single submitter. Criteria: Invitae Variant Classification Sherloc (09022015). Collection method: clinical testing. Allele origin: germline.
Comment: In summary, the available evidence is currently insufficient to determine the role of this variant in disease. Therefore, it has been classified as a Variant of Uncertain Significance. Advanced modeling of protein sequence and biophysical properties (such as structural, functional, and spatial information, amino acid conservation, physicochemical variation, residue mobility, and thermodynamic stability) has been performed at Invitae for this missense variant, however the output from this modeling did not meet the statistical confidence thresholds required to predict the impact of this variant on SMARCA4 protein function. ClinVar contains an entry for this variant (Variation ID: 2157870). This variant has not been reported in the literature in individuals affected with SMARCA4-related conditions. This variant is not present in population databases (gnomAD no frequency). This sequence change replaces proline, which is neutral and non-polar, with leucine, which is neutral and non-polar, at codon 265 of the SMARCA4 protein (p.Pro265Leu).